The following is an entry in ClinVar:

ClinVar aggregate classification (germline): Uncertain significance (1 of 4 stars; one submission).

Conditions:
Cardiovascular phenotype. Identifiers: MedGen CN230736.

Submission:

Ambry Genetics
Classification: Uncertain significance for Cardiovascular phenotype. Last evaluated: 2025-12-12. Review status: criteria provided, single submitter. Criteria: Ambry Variant Classification Scheme 2023. Collection method: clinical testing. Allele origin: germline.
Comment: The c.1801_1815del15 variant (also known as p.Q601_C605del) is located in coding exon 2 of the TNXB gene. This variant results from an in-frame CAGGACGGTGTGTGC deletion at nucleotide positions 1801 to 1815. This results in the in-frame deletion of five residues at codon 601. This amino acid region ranges from highly conserved to poorly conserved in available vertebrate species. In addition, this variant is predicted to be deleterious by in silico analysis (Choi Y et al. PLoS ONE. 2012; 7(10):e46688). Based on the available evidence, the clinical significance of this variant remains unclear.

NM_001365276.2(TNXB):c.1801_1815del (p.Gln601_Cys605del)

Gene: TNXB (tenascin XB; minus strand). Cytogenetic location: 6p21.33.
Variant type: Deletion.
Coding change: c.1801_1815del on transcript NM_001365276.2 (MANE Select); coding-DNA positions 1801 to 1815, 15 bases deleted (CAGGACGGTGTGTGC).
Protein change: p.Gln601_Cys605del.
Molecular consequence: inframe deletion.
Genome position (GRCh38, 1-based): chr6:32,096,038-32,096,052, GCACACACCGTCCTG deleted on the plus strand (CAGGACGGTGTGTGC on the coding strand, the reverse complement: TNXB is on the minus strand); deleting any 15 consecutive bases within chr6:32,096,038-32,096,058 gives the same sequence; the c. name uses the placement nearest the transcript's 3' end. VCF-style (leftmost placement, unchanged base first): chr6-32096037-TGCACACACCGTCCTG-T. GRCh37 (hg19) VCF-style: chr6-32063814-TGCACACACCGTCCTG-T.
Other names: c.1801_1815del, p.Gln601_Cys605del (NM_001428335.1, NM_019105.8).
Identifiers: ClinVar variation 4615133 (VCV004615133.1).